The following is an entry in ClinVar:

NM_015076.5(CDK19):c.205C>T (p.Leu69Phe)

Gene: CDK19 (cyclin dependent kinase 19; minus strand). Cytogenetic location: 6q21.
Variant type: single nucleotide variant.
Coding change: c.205C>T on transcript NM_015076.5 (MANE Select); coding-DNA position 205, C replaced by T.
Protein change: p.Leu69Phe; replaces leucine 69 with phenylalanine.
Molecular consequence: missense variant.
Genome position (GRCh38, 1-based): chr6:110,670,541, G>A on the plus strand (C>T on the coding strand, the complement: CDK19 is on the minus strand). VCF-style: chr6-110670541-G-A. GRCh37 (hg19) VCF-style: chr6-110991744-G-A.
Other names: c.205C>T, p.Leu69Phe (NM_001300960.2); c.25C>T, p.Leu9Phe (NM_001300963.2, NM_001300964.2); short protein forms L69F, L9F.
Identifiers: ClinVar variation 4536217 (VCV004536217.1).

ClinVar aggregate classification (germline): Uncertain significance (1 of 4 stars; one submission).

Submission:

GeneDx
Classification: Uncertain significance. Last evaluated: 2025-06-07. Review status: criteria provided, single submitter. Criteria: GeneDx Variant Classification Process June 2021. Collection method: clinical testing. Allele origin: germline. Affected: yes.
Comment: Not observed at significant frequency in large population cohorts (gnomAD); In silico analysis supports that this missense variant has a deleterious effect on protein structure/function; Has not been previously published as pathogenic or benign to our knowledge